The following is an entry in ClinVar:

ClinVar aggregate classification (germline): Uncertain significance (1 of 4 stars; one submission).

Conditions:
Granulomatous disease, chronic, autosomal recessive, cytochrome b-positive, type 3. Also called: GRANULOMATOUS DISEASE, CHRONIC, DUE TO NCF4 DEFICIENCY; Granulomatous disease, chronic, autosomal recessive, cytochrome b-positive, type III; GRANULOMATOUS DISEASE, CHRONIC, AUTOSOMAL RECESSIVE, 3; CGD, AUTOSOMAL RECESSIVE CYTOCHROME b-POSITIVE, TYPE III. Identifiers: Orphanet 379, MedGen C3151409, MONDO:0013507, OMIM 613960.

Submission:

Labcorp Genetics (formerly Invitae), Labcorp
Classification: Uncertain significance for Granulomatous disease, chronic, autosomal recessive, cytochrome b-positive, type 3. Last evaluated: 2021-07-17. Review status: criteria provided, single submitter. Criteria: Invitae Variant Classification Sherloc (09022015). Collection method: clinical testing. Allele origin: germline.
Comment: This sequence change replaces serine with alanine at codon 254 of the NCF4 protein (p.Ser254Ala). The serine residue is weakly conserved and there is a moderate physicochemical difference between serine and alanine. This variant is not present in population databases (ExAC no frequency). This variant has not been reported in the literature in individuals affected with NCF4-related conditions. Algorithms developed to predict the effect of missense changes on protein structure and function (SIFT, PolyPhen-2, Align-GVGD) all suggest that this variant is likely to be tolerated. In summary, the available evidence is currently insufficient to determine the role of this variant in disease. Therefore, it has been classified as a Variant of Uncertain Significance.

NM_000631.5(NCF4):c.758+2T>G

Gene: NCF4 (neutrophil cytosolic factor 4; plus strand). Cytogenetic location: 22q12.3.
Variant type: single nucleotide variant.
Coding change: c.758+2T>G on transcript NM_000631.5 (MANE Select); the canonical splice donor site of the intron after coding-DNA position 758, T replaced by G.
Molecular consequence: splice donor variant. On other transcripts: missense variant (1).
Genome position (GRCh38, 1-based): chr22:36,875,785, T>G. VCF-style: chr22-36875785-T-G. GRCh37 (hg19) VCF-style: chr22-37271827-T-G.
Other names: c.760T>G, p.Ser254Ala (NM_013416.4); short protein forms S254A.
Identifiers: ClinVar variation 1473132 (VCV001473132.6), dbSNP rs2145726846, ClinGen allele CA411389147.
Genomic context (GRCh38, chr22:36,875,785, plus strand): 5'-GACGACCCCACCAACTGGCTGCGTTGCTACTACTACGAAGACACCATCAGCACCATCAAG[T>G]CTGTGGCCTGGGAGGGAGGGGCCTGTCCAGCCTTCCTGCCATCCCTACGACCACTGCCCC-3'